The following is an entry in ClinVar:

ClinVar aggregate classification (germline): Uncertain significance (1 of 4 stars; one submission).

Submission:

Dasa
Classification: Uncertain significance. Last evaluated: 2025-02-25. Review status: criteria provided, single submitter. Criteria: DASA Assertion Criteria. Collection method: clinical testing. Allele origin: germline.
Comment: NM_032119.4(ADGRV1):c.17988G>C (p.Trp5996Cys) is a missense variant that results in the substitution of tryptophan with cysteine. This variant is absent from population databases. The currently available literature and clinical evidence are not sufficient to establish a definitive association between this variant and the reported condition. Therefore, this variant is classified as a variant of uncertain significance.

NM_032119.4(ADGRV1):c.17988G>C (p.Trp5996Cys)

Gene: ADGRV1 (adhesion G protein-coupled receptor V1; plus strand). Cytogenetic location: 5q14.3.
Variant type: single nucleotide variant.
Coding change: c.17988G>C on transcript NM_032119.4 (MANE Select); coding-DNA position 17988, G replaced by C.
Protein change: p.Trp5996Cys; replaces tryptophan 5996 with cysteine.
Molecular consequence: missense variant. On other transcripts: non-coding transcript variant (1).
Genome position (GRCh38, 1-based): chr5:90,985,358, G>C. VCF-style: chr5-90985358-G-C. GRCh37 (hg19) VCF-style: chr5-90281175-G-C.
Other names: short protein forms W5996C.
Identifiers: ClinVar variation 4886695 (VCV004886695.2).